The following is an entry in ClinVar:

NM_031844.3(HNRNPU):c.621dup (p.Gln208fs)

Gene: HNRNPU (heterogeneous nuclear ribonucleoprotein U; minus strand). Cytogenetic location: 1q44.
Variant type: Duplication.
Coding change: c.621dup on transcript NM_031844.3 (MANE Select); coding-DNA position 621, one base duplicated (G; older notation c.621dupG).
Protein change: p.Gln208fs; shifts the reading frame from glutamine 208.
Molecular consequence: frameshift variant.
Genome position (GRCh38, 1-based): chr1:244,863,687, C duplicated on the plus strand (G on the coding strand, the reverse complement: HNRNPU is on the minus strand). VCF-style (leftmost placement, unchanged base first): chr1-244863686-G-GC. GRCh37 (hg19) VCF-style: chr1-245026988-G-GC.
Other names: c.621dup, p.Gln208fs (NM_004501.3); short protein forms Q208fs.
Identifiers: ClinVar variation 2701847 (VCV002701847.3), dbSNP rs2527894182, ClinGen allele CA2697547783.

ClinVar aggregate classification (germline): Pathogenic (1 of 4 stars; one submission).

Conditions:
Developmental and epileptic encephalopathy, 54. Also called: HNRNPU-Related Neurodevelopmental Disorder; Epileptic encephalopathy, early infantile, 54. Identifiers: MedGen C4479319, MONDO:0033363, OMIM 617391.

Submission:

Labcorp Genetics (formerly Invitae), Labcorp
Classification: Pathogenic for Developmental and epileptic encephalopathy, 54. Last evaluated: 2024-10-23. Review status: criteria provided, single submitter. Criteria: Invitae Variant Classification Sherloc (09022015). Collection method: clinical testing. Allele origin: germline.
Comment: This sequence change creates a premature translational stop signal (p.Gln208Alafs*6) in the HNRNPU gene. It is expected to result in an absent or disrupted protein product. Loss-of-function variants in HNRNPU are known to be pathogenic (PMID: 22678713, 28283832). This variant is not present in population databases (gnomAD no frequency). This variant has not been reported in the literature in individuals affected with HNRNPU-related conditions. For these reasons, this variant has been classified as Pathogenic.

Literature cited by the submitters: PubMed 22678713; PubMed 28283832.